The following is an entry in ClinVar:

ClinVar aggregate classification (germline): Likely benign. Review status: criteria provided, multiple submitters, no conflicts (2 of 4 stars). 2 submissions from 2 submitters: Likely benign (2). Last evaluated 2018-06-19.

Allele frequency attached by ClinVar (database versions not stated): TOPMed 0.02135; gnomAD 0.02213 and 0.02247; 1000 Genomes Project 0.02736; 1000 Genomes Project 30x 0.02795.
gnomAD v4.1: 25,240 of 1,199,014 alleles (2.1%); highest among the groups gnomAD compares: East Asian, 2.6%; 331 homozygotes.

Submissions (2):

GeneDx
Classification: Likely benign. Last evaluated: 2018-06-19. Review status: criteria provided, single submitter. Criteria: GeneDx Variant Classification (06012015). Collection method: clinical testing. Allele origin: germline. Affected: yes.
Comment: This variant is considered likely benign or benign based on one or more of the following criteria: it is a conservative change, it occurs at a poorly conserved position in the protein, it is predicted to be benign by multiple in silico algorithms, and/or has population frequency not consistent with disease.

Breakthrough Genomics
Classification: Likely benign. Review status: criteria provided, single submitter. Criteria: ACMG Guidelines, 2015. Collection method: not provided. Allele origin: germline. Inheritance: Autosomal dominant inheritance. Affected: yes.

NM_000093.5(COL5A1):c.2646+91C>T

Gene: COL5A1 (collagen type V alpha 1 chain; plus strand). Cytogenetic location: 9q34.3.
Variant type: single nucleotide variant.
Coding change: c.2646+91C>T on transcript NM_000093.5 (MANE Select); 91 bases into the intron after coding-DNA position 2646, C replaced by T.
Molecular consequence: intron variant.
Genome position (GRCh38, 1-based): chr9:134,786,139, C>T. VCF-style: chr9-134786139-C-T. GRCh37 (hg19) VCF-style: chr9-137677985-C-T.
Other names: c.2646+91C>T (NM_001278074.1).
Identifiers: ClinVar variation 673905 (VCV000673905.2), dbSNP rs62571364, ClinGen allele CA201105575.